The following is an entry in ClinVar:

NM_002103.5(GYS1):c.2038G>A (p.Glu680Lys)

Gene: GYS1 (glycogen synthase 1; minus strand). Cytogenetic location: 19q13.33.
Variant type: single nucleotide variant.
Coding change: c.2038G>A on transcript NM_002103.5 (MANE Select); coding-DNA position 2038, G replaced by A.
Protein change: p.Glu680Lys; replaces glutamic acid 680 with lysine.
Molecular consequence: missense variant. On other transcripts: non-coding transcript variant (1).
Genome position (GRCh38, 1-based): chr19:48,969,464, C>T on the plus strand (G>A on the coding strand, the complement: GYS1 is on the minus strand). VCF-style: chr19-48969464-C-T. GRCh37 (hg19) VCF-style: chr19-49472721-C-T.
Other names: c.1846G>A, p.Glu616Lys (NM_001161587.2); short protein forms E616K, E680K.
Identifiers: ClinVar variation 1521625 (VCV001521625.5), dbSNP rs754310863, ClinGen allele CA9562712.
Genomic context (GRCh38, chr19:48,969,464, plus strand): 5'-TGCAGGACGCTCGGCGCGGCCACTCTGGTGCACGGATGTTGCGCCGGTCCTTGGCGGCCT[C>T]CTCGTCCTCATCGTAGCGCTCGCCGTCTTCCTCCAGCGGCCCGTTCCGGGGATCCTCCTC-3'
Protein context (NP_002094.2, residues 670-690): EDGERYDEDE[Glu680Lys]AAKDRRNIRA

ClinVar aggregate classification (germline): Uncertain significance (1 of 4 stars; one submission).

Conditions:
Glycogen storage disease due to muscle and heart glycogen synthase deficiency. Also called: GSD 0b; MUSCLE GLYCOGEN SYNTHASE DEFICIENCY. Identifiers: Orphanet 137625, MedGen C1969054, MONDO:0012693, OMIM 611556.

Allele frequency attached by ClinVar (database versions not stated): gnomAD 0.00001; TOPMed 0.00002; gnomAD exomes 0.00003.
gnomAD v4.1: 37 of 1,545,068 alleles (0.0024%); highest among the groups gnomAD compares: Non-Finnish European, 0.0032%; no homozygotes.

Submission:

Labcorp Genetics (formerly Invitae), Labcorp
Classification: Uncertain significance for Glycogen storage disease due to muscle and heart glycogen synthase deficiency. Last evaluated: 2024-10-15. Review status: criteria provided, single submitter. Criteria: Invitae Variant Classification Sherloc (09022015). Collection method: clinical testing. Allele origin: germline.
Comment: This sequence change replaces glutamic acid, which is acidic and polar, with lysine, which is basic and polar, at codon 680 of the GYS1 protein (p.Glu680Lys). This variant is not present in population databases (gnomAD no frequency). This variant has not been reported in the literature in individuals affected with GYS1-related conditions. ClinVar contains an entry for this variant (Variation ID: 1521625). An algorithm developed to predict the effect of missense changes on protein structure and function (PolyPhen-2) suggests that this variant is likely to be disruptive. In summary, the available evidence is currently insufficient to determine the role of this variant in disease. Therefore, it has been classified as a Variant of Uncertain Significance.